The following is an entry in ClinVar:

ClinVar aggregate classification (germline): Uncertain significance (1 of 4 stars; one submission).

Conditions:
RASopathy. Also called: Noonan spectrum disorder; rasopathies. Identifiers: Orphanet 536391, MedGen C5555857, MONDO:0021060.

Allele frequency attached by ClinVar (database versions not stated): gnomAD exomes 0.00001.
gnomAD v4.1: 8 of 1,614,176 alleles (0.0005%); highest among the groups gnomAD compares: Non-Finnish European, 0.00068%; no homozygotes.

Submission:

Labcorp Genetics (formerly Invitae), Labcorp
Classification: Uncertain significance for RASopathy. Last evaluated: 2024-10-04. Review status: criteria provided, single submitter. Criteria: Invitae Variant Classification Sherloc (09022015). Collection method: clinical testing. Allele origin: germline.
Comment: This sequence change replaces leucine, which is neutral and non-polar, with phenylalanine, which is neutral and non-polar, at codon 107 of the SHOC2 protein (p.Leu107Phe). This variant is not present in population databases (gnomAD no frequency). This variant has not been reported in the literature in individuals affected with SHOC2-related conditions. Invitae Evidence Modeling of protein sequence and biophysical properties (such as structural, functional, and spatial information, amino acid conservation, physicochemical variation, residue mobility, and thermodynamic stability) indicates that this missense variant is not expected to disrupt SHOC2 protein function with a negative predictive value of 80%. In summary, the available evidence is currently insufficient to determine the role of this variant in disease. Therefore, it has been classified as a Variant of Uncertain Significance.

NM_007373.4(SHOC2):c.321A>C (p.Leu107Phe)

Gene: SHOC2 (SHOC2 leucine rich repeat scaffold protein; plus strand). Cytogenetic location: 10q25.2.
Variant type: single nucleotide variant.
Coding change: c.321A>C on transcript NM_007373.4 (MANE Select); coding-DNA position 321, A replaced by C.
Protein change: p.Leu107Phe; replaces leucine 107 with phenylalanine.
Molecular consequence: missense variant.
Genome position (GRCh38, 1-based): chr10:110,964,679, A>C. VCF-style: chr10-110964679-A-C. GRCh37 (hg19) VCF-style: chr10-112724437-A-C.
Other names: c.321A>C, p.Leu107Phe (NM_001269039.3, NM_001324336.2, NM_001324337.2); short protein forms L107F.
Identifiers: ClinVar variation 3016298 (VCV003016298.3), dbSNP rs2493839209, ClinGen allele CA378384038.